The following is an entry in ClinVar:

ClinVar aggregate classification (germline): Conflicting classifications of pathogenicity. Review status: criteria provided, conflicting classifications (1 of 4 stars). 11 submissions from 11 submitters: Uncertain significance (1); Benign (3); Likely benign (6). 1 of the submissions does not count toward it. Last evaluated 2026-06-01.

Conditions:
Walker-Warburg congenital muscular dystrophy. Also called: Muscular dystrophy-dystroglycanopathy, type A; Walker-Warburg syndrome. Identifiers: Orphanet 899, MedGen C0265221, MONDO:0000171.
Cardiovascular phenotype. Identifiers: MedGen CN230736.
Autosomal recessive limb-girdle muscular dystrophy type 2I. Also called: MUSCULAR DYSTROPHY-DYSTROGLYCANOPATHY, LIMB-GIRDLE, FRKP-RELATED; MUSCULAR DYSTROPHY-DYSTROGLYCANOPATHY (LIMB-GIRDLE), TYPE C, 5; MUSCULAR DYSTROPHY, LIMB-GIRDLE, TYPE 2I. Identifiers: Orphanet 34515, MedGen C1846672, MONDO:0011787, OMIM 607155.

Allele frequency attached by ClinVar (database versions not stated): gnomAD exomes 0.00017 and 0.00033; ESP Exome Variant Server 0.00036; ExAC 0.00094; gnomAD 0.00137 and 0.00144; 1000 Genomes Project 30x 0.00141; TOPMed 0.00144; 1000 Genomes Project 0.00220.
gnomAD v4.1: 476 of 1,572,228 alleles (0.03%); highest among the groups gnomAD compares: African/African-American, 0.49%; 2 homozygotes.

Submissions (11):

CeGaT Center for Human Genetics Tuebingen
Classification: Likely benign. Last evaluated: 2026-06-01. Review status: criteria provided, single submitter. Criteria: CeGaT Center For Human Genetics Tuebingen Variant Classification Criteria Version 2. Collection method: clinical testing. Allele origin: germline. Affected: yes. Observed: 3 variant alleles.
Comment: FKRP: BP4, BP7

Labcorp Genetics (formerly Invitae), Labcorp
Classification: Benign for Walker-Warburg congenital muscular dystrophy. Last evaluated: 2026-01-31. Review status: criteria provided, single submitter. Criteria: Invitae Variant Classification Sherloc (09022015). Collection method: clinical testing. Allele origin: germline.

Mayo Clinic Laboratories, Mayo Clinic
Classification: Likely benign. Last evaluated: 2025-04-15. Review status: criteria provided, single submitter. Criteria: ACMG Guidelines, 2015. Collection method: clinical testing. Allele origin: germline. Observed: 2 variant alleles.
Comment: BS1, BP4, BP7

Molecular Diagnostic Laboratory for Inherited Cardiovascular Disease, Montreal Heart Institute
Classification: Benign. Last evaluated: 2025-04-09. Review status: criteria provided, single submitter. Criteria: ACMG Guidelines, 2015. Collection method: clinical testing. Allele origin: germline. Affected: no.

Blueprint Genetics
Classification: Likely benign. Last evaluated: 2024-09-23. Review status: criteria provided, single submitter. Criteria: ACMG Guidelines, 2015. Collection method: clinical testing. Allele origin: germline.

Women's Health and Genetics/Laboratory Corporation of America, LabCorp
Classification: Likely benign. Last evaluated: 2024-06-17. Review status: criteria provided, single submitter. Criteria: LabCorp Variant Classification Summary - May 2015. Collection method: clinical testing. Allele origin: germline.

GeneDx
Classification: Likely benign. Last evaluated: 2020-11-18. Review status: criteria provided, single submitter. Criteria: GeneDx Variant Classification Process June 2021. Collection method: clinical testing. Allele origin: germline. Affected: yes.
Comment: This variant is associated with the following publications: (PMID: 14647208)

Ambry Genetics
Classification: Likely benign for Cardiovascular phenotype. Last evaluated: 2019-02-05. Review status: criteria provided, single submitter. Criteria: Ambry Variant Classification Scheme 2023. Collection method: clinical testing. Allele origin: germline.

Eurofins Ntd Llc (ga)
Classification: Uncertain significance. Last evaluated: 2017-07-17. Review status: criteria provided, single submitter. Criteria: EGL Classification Definitions 2015. Collection method: clinical testing. Allele origin: germline. Observed: 7 variant alleles, 7 heterozygotes.

PreventionGenetics, part of Exact Sciences
Classification: Benign. Last evaluated: 2016-03-25. Review status: criteria provided, single submitter. Criteria: ACMG Guidelines, 2015. Collection method: clinical testing. Allele origin: germline.

Natera, Inc.
Classification: Likely benign for Limb-girdle muscular dystrophy type 2I. Last evaluated: 2019-10-24. Review status: no assertion criteria provided. Collection method: clinical testing. Allele origin: germline. Not counted in ClinVar's aggregate classification.

NM_024301.5(FKRP):c.567C>T (p.Pro189=)

Gene: FKRP (fukutin related protein; plus strand). Cytogenetic location: 19q13.32.
Variant type: single nucleotide variant.
Coding change: c.567C>T on transcript NM_024301.5 (MANE Select); coding-DNA position 567, C replaced by T.
Protein change: p.Pro189=; no amino-acid change (proline 189 retained).
Molecular consequence: synonymous variant.
Genome position (GRCh38, 1-based): chr19:46,756,017, C>T. VCF-style: chr19-46756017-C-T. GRCh37 (hg19) VCF-style: chr19-47259274-C-T.
Other names: p.Pro189=; c.567C>T, p.Pro189= (NM_001039885.3).
Identifiers: ClinVar variation 261691 (VCV000261691.48), dbSNP rs201454433, ClinGen allele CA9532171.
Genomic context (GRCh38, chr19:46,756,017, plus strand): 5'-GGCCCTGAACGTCAGCCTGCGAGAGTGGACCGCCCGCTATGGCGCAGCCCCCGCCGCGCC[C>T]CGCTGCGACGCCCTGGACGGAGATGCTGTGGTGCTCCTGCGCGCCCGCGACCTCTTCAAC-3'
Protein context (NP_077277.1, residues 179-199): TARYGAAPAA[Pro189=]RCDALDGDAV